The following is an entry in ClinVar:

ClinVar aggregate classification (germline): Uncertain significance (1 of 4 stars; one submission).

Submission:

Labcorp Genetics (formerly Invitae), Labcorp
Classification: Uncertain significance. Last evaluated: 2019-05-30. Review status: criteria provided, single submitter. Criteria: Invitae Variant Classification Sherloc (09022015). Collection method: clinical testing. Allele origin: germline.
Comment: Algorithms developed to predict the effect of missense changes on protein structure and function (SIFT, PolyPhen-2, Align-GVGD) all suggest that this variant is likely to be disruptive, but these predictions have not been confirmed by published functional studies and their clinical significance is uncertain. This variant has not been reported in the literature in individuals with POLE-related conditions. This variant is not present in population databases (ExAC no frequency). This sequence change replaces tyrosine with serine at codon 937 of the POLE protein (p.Tyr937Ser). The tyrosine residue is highly conserved and there is a large physicochemical difference between tyrosine and serine. In summary, the available evidence is currently insufficient to determine the role of this variant in disease. Therefore, it has been classified as a Variant of Uncertain Significance.

NM_006231.4(POLE):c.2810A>C (p.Tyr937Ser)

Gene: POLE (DNA polymerase epsilon, catalytic subunit; minus strand). Cytogenetic location: 12q24.33.
Variant type: single nucleotide variant.
Coding change: c.2810A>C on transcript NM_006231.4 (MANE Select); coding-DNA position 2810, A replaced by C.
Protein change: p.Tyr937Ser; replaces tyrosine 937 with serine.
Molecular consequence: missense variant.
Genome position (GRCh38, 1-based): chr12:132,661,581, T>G on the plus strand (A>C on the coding strand, the complement: POLE is on the minus strand). VCF-style: chr12-132661581-T-G. GRCh37 (hg19) VCF-style: chr12-133238167-T-G.
Other names: short protein forms Y937S.
Identifiers: ClinVar variation 860298 (VCV000860298.9), dbSNP rs1052708635, ClinGen allele CA387393715.